The following is an entry in ClinVar:

NM_001079843.3(CASZ1):c.185G>A (p.Arg62Gln)

Gene: CASZ1 (castor zinc finger 1; minus strand). Cytogenetic location: 1p36.22.
Variant type: single nucleotide variant.
Coding change: c.185G>A on transcript NM_001079843.3 (MANE Select); coding-DNA position 185, G replaced by A.
Protein change: p.Arg62Gln; replaces arginine 62 with glutamine.
Molecular consequence: missense variant.
Genome position (GRCh38, 1-based): chr1:10,665,403, C>T on the plus strand (G>A on the coding strand, the complement: CASZ1 is on the minus strand). VCF-style: chr1-10665403-C-T. GRCh37 (hg19) VCF-style: chr1-10725460-C-T.
Other names: c.185G>A, p.Arg62Gln (NM_017766.5); short protein forms R62Q.
Identifiers: ClinVar variation 2082822 (VCV002082822.5), dbSNP rs201097433, ClinGen allele CA585512.

ClinVar aggregate classification (germline): Conflicting classifications of pathogenicity. Review status: criteria provided, conflicting classifications (1 of 4 stars). 2 submissions from 2 submitters: Uncertain significance (1); Likely benign (1). Last evaluated 2024-08-04.

Allele frequency attached by ClinVar (database versions not stated): TOPMed 0.00007; ESP Exome Variant Server 0.00008; gnomAD 0.00012; ExAC 0.00019; 1000 Genomes Project 0.00020; gnomAD exomes 0.00021; 1000 Genomes Project 30x 0.00047.

Submissions (2):

Blueprint Genetics
Classification: Likely benign. Last evaluated: 2024-08-04. Review status: criteria provided, single submitter. Criteria: ACMG Guidelines, 2015. Collection method: clinical testing. Allele origin: germline.

Labcorp Genetics (formerly Invitae), Labcorp
Classification: Uncertain significance. Last evaluated: 2023-03-04. Review status: criteria provided, single submitter. Criteria: Invitae Variant Classification Sherloc (09022015). Collection method: clinical testing. Allele origin: germline.
Comment: In summary, the available evidence is currently insufficient to determine the role of this variant in disease. Therefore, it has been classified as a Variant of Uncertain Significance. Algorithms developed to predict the effect of missense changes on protein structure and function output the following: SIFT: "Not Available"; PolyPhen-2: "Benign"; Align-GVGD: "Not Available". The glutamine amino acid residue is found in multiple mammalian species, which suggests that this missense change does not adversely affect protein function. ClinVar contains an entry for this variant (Variation ID: 2082822). This variant has not been reported in the literature in individuals affected with CASZ1-related conditions. This variant is present in population databases (rs201097433, gnomAD 0.05%), and has an allele count higher than expected for a pathogenic variant. This sequence change replaces arginine, which is basic and polar, with glutamine, which is neutral and polar, at codon 62 of the CASZ1 protein (p.Arg62Gln).